The following is an entry in ClinVar:

NM_016599.5(MYOZ2):c.592G>T (p.Ala198Ser)

Gene: MYOZ2 (myozenin 2; plus strand). Cytogenetic location: 4q26.
Variant type: single nucleotide variant.
Coding change: c.592G>T on transcript NM_016599.5 (MANE Select); coding-DNA position 592, G replaced by T.
Protein change: p.Ala198Ser; replaces alanine 198 with serine.
Molecular consequence: missense variant.
Genome position (GRCh38, 1-based): chr4:119,185,997, G>T. VCF-style: chr4-119185997-G-T. GRCh37 (hg19) VCF-style: chr4-120107152-G-T.
Other names: short protein forms A198S.
Identifiers: ClinVar variation 2626091 (VCV002626091.2), dbSNP rs1175731703, ClinGen allele CA358201449.
Genomic context (GRCh38, chr4:119,185,997, plus strand): 5'-AGATCTGTTTTTTTTTTAATTTCCCACAGGGTTGCCACACCATTTGGAGGTTTTGAAAAA[G>T]CATCAAGAATGGTTAAATTTAAAGTTCCAGATTTTGAGCTACTATTGCTAACAGATCCCA-3'
Protein context (NP_057683.1, residues 188-208): VATPFGGFEK[Ala198Ser]SRMVKFKVPD

ClinVar aggregate classification (germline): Uncertain significance (1 of 4 stars; one submission).

Conditions:
Cardiovascular phenotype. Identifiers: MedGen CN230736.

Submission:

Ambry Genetics
Classification: Uncertain significance for Cardiovascular phenotype. Last evaluated: 2023-06-29. Review status: criteria provided, single submitter. Criteria: Ambry Variant Classification Scheme 2023. Collection method: clinical testing. Allele origin: germline.
Comment: The p.A198S variant (also known as c.592G>T), located in coding exon 5 of the MYOZ2 gene, results from a G to T substitution at nucleotide position 592. The alanine at codon 198 is replaced by serine, an amino acid with similar properties. This amino acid position is conserved. In addition, the in silico prediction for this alteration is inconclusive. Since supporting evidence is limited at this time, the clinical significance of this alteration remains unclear.